The following is an entry in ClinVar:

ClinVar aggregate classification (germline): Uncertain significance (1 of 4 stars; one submission).

Allele frequency attached by ClinVar (database versions not stated): gnomAD exomes below 0.00001.
gnomAD v4.1: 1 of 1,613,640 alleles (0.000062%); highest among the groups gnomAD compares: Non-Finnish European, 0.000085%; no homozygotes.

Submission:

Labcorp Genetics (formerly Invitae), Labcorp
Classification: Uncertain significance. Last evaluated: 2022-06-11. Review status: criteria provided, single submitter. Criteria: Invitae Variant Classification Sherloc (09022015). Collection method: clinical testing. Allele origin: germline.
Comment: In summary, the available evidence is currently insufficient to determine the role of this variant in disease. Therefore, it has been classified as a Variant of Uncertain Significance. This sequence change replaces threonine, which is neutral and polar, with serine, which is neutral and polar, at codon 3471 of the USH2A protein (p.Thr3471Ser). This variant is not present in population databases (gnomAD no frequency). This variant has not been reported in the literature in individuals affected with USH2A-related conditions. Algorithms developed to predict the effect of missense changes on protein structure and function (SIFT, PolyPhen-2, Align-GVGD) all suggest that this variant is likely to be tolerated.

NM_206933.4(USH2A):c.10411A>T (p.Thr3471Ser)

Gene: USH2A (usherin; minus strand). Cytogenetic location: 1q41.
Variant type: single nucleotide variant.
Coding change: c.10411A>T on transcript NM_206933.4 (MANE Select); coding-DNA position 10411, A replaced by T.
Protein change: p.Thr3471Ser; replaces threonine 3471 with serine.
Molecular consequence: missense variant.
Genome position (GRCh38, 1-based): chr1:215,782,912, T>A on the plus strand (A>T on the coding strand, the complement: USH2A is on the minus strand). VCF-style: chr1-215782912-T-A. GRCh37 (hg19) VCF-style: chr1-215956254-T-A.
Other names: short protein forms T3471S.
Identifiers: ClinVar variation 1932629 (VCV001932629.5), dbSNP rs1661687510, ClinGen allele CA344838151.
Genomic context (GRCh38, chr1:215,782,912, plus strand): 5'-TCACAGCTTTGCTGAGTCCTCGCCCATAGCTGTTCCAGGCAGAAATCCTGTACTCATATG[T>A]CATGTAGGGCTTGAGGTTCACATCTGGAAAGAGAAAAAATAGACAGGGAAGTTTCTCTTA-3'
Protein context (NP_996816.3, residues 3461-3481): YTDVNLKPYM[Thr3471Ser]YEYRISAWNS